The following is an entry in ClinVar:

ClinVar aggregate classification (germline): Uncertain significance. Review status: criteria provided, multiple submitters, no conflicts (2 of 4 stars). 2 submissions from 2 submitters: Uncertain significance (2). Last evaluated 2022-03-22.

Conditions:
Inborn genetic diseases. Identifiers: MedGen C0950123, MeSH D030342.

Allele frequency attached by ClinVar (database versions not stated): ExAC 0.00001; gnomAD 0.00001; gnomAD exomes 0.00001 and 0.00002; TOPMed 0.00001.
gnomAD v4.1: 18 of 1,613,490 alleles (0.0011%); highest among the groups gnomAD compares: Non-Finnish European, 0.00025%; no homozygotes.

Submissions (2):

Ambry Genetics
Classification: Uncertain significance for Inborn genetic diseases. Last evaluated: 2022-03-22. Review status: criteria provided, single submitter. Criteria: Ambry Variant Classification Scheme 2023. Collection method: clinical testing. Allele origin: germline.

Labcorp Genetics (formerly Invitae), Labcorp
Classification: Uncertain significance. Last evaluated: 2021-11-01. Review status: criteria provided, single submitter. Criteria: Invitae Variant Classification Sherloc (09022015). Collection method: clinical testing. Allele origin: germline.
Comment: In summary, the available evidence is currently insufficient to determine the role of this variant in disease. Therefore, it has been classified as a Variant of Uncertain Significance. Algorithms developed to predict the effect of missense changes on protein structure and function output the following: SIFT: "Tolerated"; PolyPhen-2: "Benign"; Align-GVGD: "Class C0". The asparagine amino acid residue is found in multiple mammalian species, which suggests that this missense change does not adversely affect protein function. This variant has not been reported in the literature in individuals affected with C6-related conditions. This variant is present in population databases (rs770302887, gnomAD 0.05%). This sequence change replaces serine, which is neutral and polar, with asparagine, which is neutral and polar, at codon 461 of the C6 protein (p.Ser461Asn).

NM_000065.5(C6):c.1382G>A (p.Ser461Asn)

Gene: C6 (complement C6; minus strand). Cytogenetic location: 5p13.1.
Variant type: single nucleotide variant.
Coding change: c.1382G>A on transcript NM_000065.5 (MANE Select); coding-DNA position 1382, G replaced by A.
Protein change: p.Ser461Asn; replaces serine 461 with asparagine.
Molecular consequence: missense variant.
Genome position (GRCh38, 1-based): chr5:41,161,769, C>T on the plus strand (G>A on the coding strand, the complement: C6 is on the minus strand). VCF-style: chr5-41161769-C-T. GRCh37 (hg19) VCF-style: chr5-41161871-C-T.
Other names: c.1382G>A, p.Ser461Asn (NM_001115131.4); c.1382G>A (NM_000065.2); short protein forms S461N.
Identifiers: ClinVar variation 1428653 (VCV001428653.5), dbSNP rs770302887, ClinGen allele CA3252480.